The following is an entry in ClinVar:

NM_017612.5(ZCCHC8):c.1059_1060del (p.Gln353_Asn354insTer)

Gene: ZCCHC8 (zinc finger CCHC-type containing 8; minus strand). Cytogenetic location: 12q24.31.
Variant type: Deletion.
Coding change: c.1059_1060del on transcript NM_017612.5 (MANE Select); coding-DNA positions 1059 to 1060, 2 bases deleted (GA; older notation c.1059_1060delGA).
Protein change: p.Gln353_Asn354insTer.
Molecular consequence: frameshift variant.
Genome position (GRCh38, 1-based): chr12:122,480,270-122,480,271, TC deleted on the plus strand (GA on the coding strand, the reverse complement: ZCCHC8 is on the minus strand); deleting any 2 consecutive bases within chr12:122,480,270-122,480,272 gives the same sequence; the c. name uses the placement nearest the transcript's 3' end. VCF-style (leftmost placement, unchanged base first): chr12-122480269-TTC-T. GRCh37 (hg19) VCF-style: chr12-122964816-TTC-T.
Other names: c.828_829del, p.Gln276_Asn277insTer (NM_001350935.2); c.762_763del, p.Gln254_Asn255insTer (NM_001350936.2); c.345_346del, p.Gln115_Asn116insTer (NM_001350937.2, NM_001350938.2).
Identifiers: ClinVar variation 1996360 (VCV001996360.4), dbSNP rs2547201389, ClinGen allele CA2580085928.

ClinVar aggregate classification (germline): Uncertain significance (1 of 4 stars; one submission).

Submission:

Labcorp Genetics (formerly Invitae), Labcorp
Classification: Uncertain significance. Last evaluated: 2024-02-05. Review status: criteria provided, single submitter. Criteria: Invitae Variant Classification Sherloc (09022015). Collection method: clinical testing. Allele origin: germline.
Comment: This sequence change creates a premature translational stop signal (p.Asn354*) in the ZCCHC8 gene. It is expected to result in an absent or disrupted protein product. However, the current clinical and genetic evidence is not sufficient to establish whether loss-of-function variants in ZCCHC8 cause disease. This variant is not present in population databases (gnomAD no frequency). This variant has not been reported in the literature in individuals affected with ZCCHC8-related conditions. ClinVar contains an entry for this variant (Variation ID: 1996360). In summary, the available evidence is currently insufficient to determine the role of this variant in disease. Therefore, it has been classified as a Variant of Uncertain Significance.